The following is an entry in ClinVar:

ClinVar aggregate classification (germline): Uncertain significance (1 of 4 stars; one submission).

Conditions:
Hereditary pancreatitis (PCTT). Also called: PRSS1-Related Hereditary Pancreatitis; Hereditary chronic pancreatitis. Identifiers: Orphanet 676, MedGen C0238339, MONDO:0008185, OMIM 167800.

Submission:

Ambry Genetics
Classification: Uncertain significance for Hereditary pancreatitis. Last evaluated: 2023-08-07. Review status: criteria provided, single submitter. Criteria: Ambry Variant Classification Scheme 2023. Collection method: clinical testing. Allele origin: germline.
Comment: The p.G3V variant (also known as c.8G>T), located in coding exon 1 of the CPA1 gene, results from a G to T substitution at nucleotide position 8. The glycine at codon 3 is replaced by valine, an amino acid with dissimilar properties. This amino acid position is conserved. In addition, this alteration is predicted to be tolerated by in silico analysis. Since supporting evidence is limited at this time, the clinical significance of this alteration remains unclear.

NM_001868.4(CPA1):c.8G>T (p.Gly3Val)

Gene: CPA1 (carboxypeptidase A1; plus strand). Cytogenetic location: 7q32.2.
Variant type: single nucleotide variant.
Coding change: c.8G>T on transcript NM_001868.4 (MANE Select); coding-DNA position 8, G replaced by T.
Protein change: p.Gly3Val; replaces glycine 3 with valine.
Molecular consequence: missense variant.
Genome position (GRCh38, 1-based): chr7:130,380,528, G>T. VCF-style: chr7-130380528-G-T. GRCh37 (hg19) VCF-style: chr7-130020369-G-T.
Other names: short protein forms G3V.
Identifiers: ClinVar variation 2622184 (VCV002622184.2), dbSNP rs2536002831, ClinGen allele CA369278833.